The following is an entry in ClinVar:

NM_005359.6(SMAD4):c.104T>C (p.Phe35Ser)

Gene: SMAD4 (SMAD family member 4; plus strand). Cytogenetic location: 18q21.2.
Variant type: single nucleotide variant.
Coding change: c.104T>C on transcript NM_005359.6 (MANE Select); coding-DNA position 104, T replaced by C.
Protein change: p.Phe35Ser; replaces phenylalanine 35 with serine.
Molecular consequence: missense variant.
Genome position (GRCh38, 1-based): chr18:51,047,150, T>C. VCF-style: chr18-51047150-T-C. GRCh37 (hg19) VCF-style: chr18-48573520-T-C.
Other names: short protein forms F35S.
Identifiers: ClinVar variation 185375 (VCV000185375.5), dbSNP rs786202127, ClinGen allele CA191759.
Genomic context (GRCh38, chr18:51,047,150, plus strand): 5'-CCTGTCTGAGCATTGTGCATAGTTTGATGTGCCATAGACAAGGTGGAGAGAGTGAAACAT[T>C]TGCAAAAAGAGCAATTGAAAGTTTGGTAAAGAAGCTGAAGGAGAAAAAAGATGAATTGGA-3'
Protein context (NP_005350.1, residues 25-45): CHRQGGESET[Phe35Ser]AKRAIESLVK

ClinVar aggregate classification (germline): Uncertain significance (1 of 4 stars; one submission).

Conditions:
Familial thoracic aortic aneurysm and aortic dissection (TAAD). Also called: Thoracic aortic aneurysms and dissections. Identifiers: Orphanet 91387, MedGen C4707243, MONDO:0019625.
Hereditary cancer-predisposing syndrome. Also called: Hereditary neoplastic syndrome; Neoplastic Syndromes, Hereditary; Tumor predisposition; Hereditary Cancer Syndrome. Identifiers: Orphanet 140162, MedGen C0027672, MeSH D009386, MONDO:0015356.

Submission:

Ambry Genetics
Classification: Uncertain significance for Hereditary cancer-predisposing syndrome; Familial thoracic aortic aneurysm and aortic dissection. Last evaluated: 2014-07-03. Review status: criteria provided, single submitter. Criteria: Ambry Variant Classification Scheme 2023. Collection method: clinical testing. Allele origin: germline.
Comment: The p.F35S variant (also known as c.104T>C), located in coding exon 1 of the SMAD4 gene, results from a T to C substitution at nucleotide position 104. The phenylalanine at codon 35 is replaced by serine, an amino acid with highly dissimilar properties. This variant was not reported in population based cohorts in the following databases: Database of Single Nucleotide Polymorphisms (dbSNP), NHLBI Exome Sequencing Project (ESP), and 1000 Genomes Project. In the ESP, this variant was not observed in 6503 samples (13006 alleles) with coverage at this position. To date, this alteration has been detected with an allele frequency of approximately 0.01% (greater than 7500 alleles tested) in our clinical cohort (includes this individual). This amino acid position is highly conserved in available vertebrate species. In addition, this alteration is predicted to be probably damaging and deleterious by PolyPhen and SIFT in silico analyses, respectively. Since supporting evidence is limited at this time, the clinical significance of p.F35S remains unclear.